The following is an entry in ClinVar:

NM_199069.2(NDUFAF3):c.494C>T (p.Ala165Val)

Gene: NDUFAF3 (NADH:ubiquinone oxidoreductase complex assembly factor 3; plus strand). Cytogenetic location: 3p21.31.
Variant type: single nucleotide variant.
Coding change: c.494C>T on transcript NM_199069.2 (MANE Select); coding-DNA position 494, C replaced by T.
Protein change: p.Ala165Val; replaces alanine 165 with valine.
Molecular consequence: missense variant.
Genome position (GRCh38, 1-based): chr3:49,023,111, C>T. VCF-style: chr3-49023111-C-T. GRCh37 (hg19) VCF-style: chr3-49060544-C-T.
Other names: c.323C>T, p.Ala108Val (NM_199070.2, NM_199073.2, NM_199074.2); short protein forms A108V, A165V.
Identifiers: ClinVar variation 638292 (VCV000638292.1), dbSNP rs138275059, ClinGen allele CA2390332.

ClinVar aggregate classification (germline): Likely pathogenic (1 of 4 stars; one submission).

Conditions:
Mitochondrial complex I deficiency, nuclear type 18. Also called: Mitochondrial complex 1 deficiency, nuclear type 18. Identifiers: MedGen C4748790, MONDO:0032623, OMIM 618240.

Allele frequency attached by ClinVar (database versions not stated): ESP Exome Variant Server 0.00008; ExAC 0.00001; gnomAD 0.00001; TOPMed 0.00001.
gnomAD v4.1: 1 of 1,614,072 alleles (0.000062%); no homozygotes.

Submission:

SIB Swiss Institute of Bioinformatics
Classification: Likely pathogenic for Mitochondrial complex I deficiency, nuclear type 18. Last evaluated: 2019-01-25. Review status: criteria provided, single submitter. Criteria: ACMG Guidelines, 2015. Collection method: curation. Allele origin: unknown.
Comment: This variant is interpreted as a Likely pathogenic for Mitochondrial complex I deficiency, nuclear type 18, autosomal recessive. The following ACMG Tag(s) were applied: PM2 : Absent from controls (or at extremely low frequency if recessive) in Exome Sequencing Project, 1000 Genomes Project, or Exome Aggregation Consortium. PP3 : Multiple lines of computational evidence support a deleterious effect on the gene or gene product. PS3 : Well-established functional studies show a deleterious effect (PMID:27986404).

Literature cited by the submitters: PubMed 27986404.